The following is an entry in ClinVar:

NM_030632.3(ASXL3):c.5113A>T (p.Thr1705Ser)

Gene: ASXL3 (ASXL transcriptional regulator 3; plus strand). Cytogenetic location: 18q12.1.
Variant type: single nucleotide variant.
Coding change: c.5113A>T on transcript NM_030632.3 (MANE Select); coding-DNA position 5113, A replaced by T.
Protein change: p.Thr1705Ser; replaces threonine 1705 with serine.
Molecular consequence: missense variant.
Genome position (GRCh38, 1-based): chr18:33,744,961, A>T. VCF-style: chr18-33744961-A-T. GRCh37 (hg19) VCF-style: chr18-31324925-A-T.
Other names: short protein forms T1705S.
Identifiers: ClinVar variation 4985555 (VCV004985555.1).

ClinVar aggregate classification (germline): Uncertain significance (1 of 4 stars; one submission).

Conditions:
ASXL3-related disorder. Also called: ASXL3-related condition. Identifiers: MedGen CN381524.

Submission:

PreventionGenetics, part of Exact Sciences
Classification: Uncertain significance for ASXL3-related condition. Last evaluated: 2025-06-05. Review status: criteria provided, single submitter. Criteria: ACMG Guidelines, 2015. Collection method: clinical testing. Allele origin: germline.
Comment: The ASXL3 c.5113A>T variant is predicted to result in the amino acid substitution p.Thr1705Ser. To our knowledge, this variant has not been reported in the literature or in a large population database (gnomAD), indicating this variant is rare. At this time, the clinical significance of this variant is uncertain due to the absence of conclusive functional and genetic evidence.